The following is an entry in ClinVar:

NM_002907.4(RECQL):c.700+3A>G

Gene: RECQL (RecQ like helicase; minus strand). Cytogenetic location: 12p12.1.
Variant type: single nucleotide variant.
Coding change: c.700+3A>G on transcript NM_002907.4 (MANE Select); 3 bases into the intron after coding-DNA position 700, A replaced by G.
Molecular consequence: intron variant.
Genome position (GRCh38, 1-based): chr12:21,483,373, T>C on the plus strand (A>G on the coding strand, the complement: RECQL is on the minus strand). VCF-style: chr12-21483373-T-C. GRCh37 (hg19) VCF-style: chr12-21636307-T-C.
Other names: c.700+3A>G (NM_032941.3).
Identifiers: ClinVar variation 854006 (VCV000854006.7), dbSNP rs750854420, ClinGen allele CA6479008.

ClinVar aggregate classification (germline): Uncertain significance (1 of 4 stars; one submission).

Allele frequency attached by ClinVar (database versions not stated): gnomAD exomes below 0.00001 and 0.00001; ExAC 0.00001; TOPMed 0.00001.

Submission:

Labcorp Genetics (formerly Invitae), Labcorp
Classification: Uncertain significance. Last evaluated: 2025-08-25. Review status: criteria provided, single submitter. Criteria: Invitae Variant Classification Sherloc (09022015). Collection method: clinical testing. Allele origin: germline.
Comment: This sequence change falls in intron 6 of the RECQL gene. It does not directly change the encoded amino acid sequence of the RECQL protein. It affects a nucleotide within the consensus splice site. This variant is present in population databases (rs750854420, gnomAD 0.002%). This variant has not been reported in the literature in individuals affected with RECQL-related conditions. ClinVar contains an entry for this variant (Variation ID: 854006). Variants that disrupt the consensus splice site are a relatively common cause of aberrant splicing (PMID: 17576681, 9536098). Algorithms developed to predict the effect of sequence changes on RNA splicing suggest that this variant is not likely to affect RNA splicing. In summary, the available evidence is currently insufficient to determine the role of this variant in disease. Therefore, it has been classified as a Variant of Uncertain Significance.

Literature cited by the submitters: PubMed 17576681; PubMed 9536098.